The following is an entry in ClinVar:

NM_001197104.2(KMT2A):c.2051_2052delinsGG (p.Ser684Trp)

Gene: KMT2A (lysine methyltransferase 2A; plus strand). Cytogenetic location: 11q23.3.
Variant type: Indel.
Coding change: c.2051_2052delinsGG on transcript NM_001197104.2 (MANE Select); coding-DNA positions 2051 to 2052, CT replaced by GG.
Protein change: p.Ser684Trp; replaces serine 684 with tryptophan.
Molecular consequence: missense variant.
Genome position (GRCh38, 1-based): chr11:118,473,210-118,473,211, CT replaced by GG. VCF-style: chr11-118473210-CT-GG. GRCh37 (hg19) VCF-style: chr11-118343925-CT-GG.
Other names: c.2150_2151delinsGG, p.Ser717Trp (NM_001412597.1); c.2051_2052delinsGG, p.Ser684Trp (NM_005933.4); short protein forms S717W, S684W.
Identifiers: ClinVar variation 2761791 (VCV002761791.3), dbSNP rs2496806280, ClinGen allele CA2697559000.
Genomic context (GRCh38, chr11:118,473,210, plus strand): 5'-CATCTGGTTTTTCTGCATCTGGTACCGCTGCTTCAGCCCGATTGTTTTCGCCACTCCATT[CT>GG]GGAACAAGGTTTGATATGCACAAAAGGAGCCCTCTTCTGAGAGCTCCAAGATTTACTCCA-3'
Protein context (NP_001184033.1, residues 674-694): ASARLFSPLH[Ser684Trp]GTRFDMHKRS

ClinVar aggregate classification (germline): Uncertain significance (1 of 4 stars; one submission).

Submission:

Labcorp Genetics (formerly Invitae), Labcorp
Classification: Uncertain significance. Last evaluated: 2025-01-27. Review status: criteria provided, single submitter. Criteria: Invitae Variant Classification Sherloc (09022015). Collection method: clinical testing. Allele origin: germline.
Comment: This sequence change replaces serine, which is neutral and polar, with tryptophan, which is neutral and slightly polar, at codon 684 of the KMT2A protein (p.Ser684Trp). Information on the frequency of this variant in the gnomAD database is not available, as this variant may be reported differently in the database. This variant has not been reported in the literature in individuals affected with KMT2A-related conditions. ClinVar contains an entry for this variant (Variation ID: 2761791). An algorithm developed to predict the effect of missense changes on protein structure and function (PolyPhen-2) suggests that this variant is likely to be tolerated. In summary, the available evidence is currently insufficient to determine the role of this variant in disease. Therefore, it has been classified as a Variant of Uncertain Significance.